The following is an entry in ClinVar:

NM_030665.4(RAI1):c.2267C>G (p.Pro756Arg)

Gene: RAI1 (retinoic acid induced 1; plus strand). Cytogenetic location: 17p11.2.
Variant type: single nucleotide variant.
Coding change: c.2267C>G on transcript NM_030665.4 (MANE Select); coding-DNA position 2267, C replaced by G.
Protein change: p.Pro756Arg; replaces proline 756 with arginine.
Molecular consequence: missense variant.
Genome position (GRCh38, 1-based): chr17:17,795,215, C>G. VCF-style: chr17-17795215-C-G. GRCh37 (hg19) VCF-style: chr17-17698529-C-G.
Other names: short protein forms P756R.
Identifiers: ClinVar variation 3772505 (VCV003772505.13).
Genomic context (GRCh38, chr17:17,795,215, plus strand): 5'-GCTCAGCGGACAGCGCCAACCCCTTTGCCTGGCCAGAGGAAAACCTGGGGGATGCTTGTC[C>G]CAGGTGGGGATTGCACCCTGGCGAGCTTACCAAGGGCCTGGAGCAGGGTGGGAAGGCCTC-3'
Protein context (NP_109590.3, residues 746-766): WPEENLGDAC[Pro756Arg]RWGLHPGELT

ClinVar aggregate classification (germline): Uncertain significance (1 of 4 stars; one submission).

Submission:

CeGaT Center for Human Genetics Tuebingen
Classification: Uncertain significance. Last evaluated: 2025-02-01. Review status: criteria provided, single submitter. Criteria: CeGaT Center For Human Genetics Tuebingen Variant Classification Criteria Version 2. Collection method: clinical testing. Allele origin: germline. Affected: yes. Observed: 2 variant alleles.
Comment: RAI1: PM2